The following is an entry in ClinVar:

ClinVar aggregate classification (germline): Uncertain significance (1 of 4 stars; one submission).

Conditions:
Phenylketonuria (PKU). Also called: FOLLING DISEASE; OLIGOPHRENIA PHENYLPYRUVICA; Phenylketonurias; Phenylketonuria (PKU). Identifiers: Orphanet 716, MedGen C0031485, MONDO:0009861, OMIM 261600. Disease mechanism: loss of function.

gnomAD v4.1: 1 of 1,613,720 alleles (0.000062%); highest among the groups gnomAD compares: Non-Finnish European, 0.000085%; no homozygotes.

Submission:

Myriad Genetics, Inc.
Classification: Uncertain significance for Phenylketonuria. Last evaluated: 2025-08-04. Review status: criteria provided, single submitter. Criteria: Myriad Autosomal Dominant, Autosomal Recessive and X-Linked Classification Criteria (2023). Collection method: clinical testing. Allele origin: unknown.
Comment: NM_000277.1(PAH):c.1013A>G(D338G) is a missense variant classified as a variant of uncertain significance in the context of phenylalanine hydroxylase deficiency. D338G has not been observed in cases with relevant disease. Relevant functional assessments of this variant are not available in the literature. D338G has not been observed in referenced population frequency databases. In summary, there is insufficient evidence to classify NM_000277.1(PAH):c.1013A>G(D338G) as pathogenic or benign. Please note: this variant was assessed in the context of healthy population screening.

NM_000277.3(PAH):c.1013A>G (p.Asp338Gly)

Gene: PAH (phenylalanine hydroxylase; minus strand). Cytogenetic location: 12q23.2.
Variant type: single nucleotide variant.
Coding change: c.1013A>G on transcript NM_000277.3 (MANE Select); coding-DNA position 1013, A replaced by G.
Protein change: p.Asp338Gly; replaces aspartic acid 338 with glycine.
Molecular consequence: missense variant.
Genome position (GRCh38, 1-based): chr12:102,844,388, T>C on the plus strand (A>G on the coding strand, the complement: PAH is on the minus strand). VCF-style: chr12-102844388-T-C. GRCh37 (hg19) VCF-style: chr12-103238166-T-C.
Other names: c.1013A>G, p.Asp338Gly (NM_001354304.2); short protein forms D338G.
Identifiers: ClinVar variation 5003326 (VCV005003326.1).
Genomic context (GRCh38, chr12:102,844,388, plus strand): 5'-GGTCATACCTGTAATTCACCAAAGGATGACAGGAGCCCAGCACCATATGCCTTTATGGAG[T>C]CTCCTTGTTTGCAGAGCCCAAACTCCACAGTAAACCAGTAAATCTGGAATGGAAAGTCAA-3'
Protein context (NP_000268.1, residues 328-348): TVEFGLCKQG[Asp338Gly]SIKAYGAGLL